The following is an entry in ClinVar:

ClinVar aggregate classification (germline): Uncertain significance (1 of 4 stars; one submission).

Conditions:
HYPERHOMOCYSTEINEMIA, THROMBOTIC, CBS-RELATED. Identifiers: MedGen C3150344, OMIM 236200.

Submission:

Labcorp Genetics (formerly Invitae), Labcorp
Classification: Uncertain significance for HYPERHOMOCYSTEINEMIA, THROMBOTIC, CBS-RELATED. Last evaluated: 2024-04-07. Review status: criteria provided, single submitter. Criteria: Invitae Variant Classification Sherloc (09022015). Collection method: clinical testing. Allele origin: germline.
Comment: This sequence change replaces serine, which is neutral and polar, with cysteine, which is neutral and slightly polar, at codon 50 of the CBS protein (p.Ser50Cys). This variant is not present in population databases (gnomAD no frequency). This variant has not been reported in the literature in individuals affected with CBS-related conditions. Advanced modeling of protein sequence and biophysical properties (such as structural, functional, and spatial information, amino acid conservation, physicochemical variation, residue mobility, and thermodynamic stability) performed at Invitae indicates that this missense variant is expected to disrupt CBS protein function with a positive predictive value of 95%. In summary, the available evidence is currently insufficient to determine the role of this variant in disease. Therefore, it has been classified as a Variant of Uncertain Significance.

NM_000071.3(CBS):c.148A>T (p.Ser50Cys)

Gene: CBS (cystathionine beta-synthase; minus strand). Cytogenetic location: 21q22.3.
Variant type: single nucleotide variant.
Coding change: c.148A>T on transcript NM_000071.3 (MANE Select); coding-DNA position 148, A replaced by T.
Protein change: p.Ser50Cys; replaces serine 50 with cysteine.
Molecular consequence: missense variant.
Genome position (GRCh38, 1-based): chr21:43,072,046, T>A on the plus strand (A>T on the coding strand, the complement: CBS is on the minus strand). VCF-style: chr21-43072046-T-A. GRCh37 (hg19) VCF-style: chr21-44492156-T-A.
Other names: c.148A>T, p.Ser50Cys (NM_001178008.3, NM_001178009.3, NM_001320298.2); short protein forms S50C.
Identifiers: ClinVar variation 3637829 (VCV003637829.2).